The following is an entry in ClinVar:

NM_000243.3(MEFV):c.587G>A (p.Gly196Glu)

Gene: MEFV (MEFV innate immunity regulator, pyrin; minus strand). Cytogenetic location: 16p13.3.
Variant type: single nucleotide variant.
Coding change: c.587G>A on transcript NM_000243.3 (MANE Select); coding-DNA position 587, G replaced by A.
Protein change: p.Gly196Glu; replaces glycine 196 with glutamic acid.
Molecular consequence: missense variant. On other transcripts: intron variant (1).
Genome position (GRCh38, 1-based): chr16:3,254,481, C>T on the plus strand (G>A on the coding strand, the complement: MEFV is on the minus strand). VCF-style: chr16-3254481-C-T. GRCh37 (hg19) VCF-style: chr16-3304481-C-T.
Other names: c.277+1830G>A (NM_001198536.2); short protein forms G196E.
Identifiers: ClinVar variation 4853480 (VCV004853480.1).

ClinVar aggregate classification (germline): Uncertain significance (1 of 4 stars; one submission).

Submission:

Women's Health and Genetics/Laboratory Corporation of America, LabCorp
Classification: Uncertain significance. Last evaluated: 2026-05-07. Review status: criteria provided, single submitter. Criteria: LabCorp Variant Classification Summary - May 2015. Collection method: clinical testing. Allele origin: germline.
Comment: Variant summary: MEFV c.587G>A (p.Gly196Glu) results in a non-conservative amino acid change in the encoded protein sequence. Algorithms developed to predict the effect of missense changes on protein structure and function are either unavailable or do not agree on the potential impact of this missense change. The variant allele was found at a frequency of 4.9e-06 in 202378 control chromosomes. The available data on variant occurrences in the general population are insufficient to allow any conclusion about variant significance. To our knowledge, no occurrence of c.587G>A in individuals affected with MEFV-related conditions and no experimental evidence demonstrating its impact on protein function have been reported. No submitters have cited clinical-significance assessments for this variant to ClinVar. Based on the evidence outlined above, the variant was classified as uncertain significance.